The following is an entry in ClinVar:

NM_000057.4(BLM):c.907C>T (p.Pro303Ser)

Gene: BLM (BLM RecQ like helicase; plus strand). Cytogenetic location: 15q26.1.
Variant type: single nucleotide variant.
Coding change: c.907C>T on transcript NM_000057.4 (MANE Select); coding-DNA position 907, C replaced by T.
Protein change: p.Pro303Ser; replaces proline 303 with serine.
Molecular consequence: missense variant. On other transcripts: 5 prime UTR variant (1).
Genome position (GRCh38, 1-based): chr15:90,751,894, C>T. VCF-style: chr15-90751894-C-T. GRCh37 (hg19) VCF-style: chr15-91295124-C-T.
Other names: c.907C>T, p.Pro303Ser (NM_001287246.2, NM_001287247.2); c.-385C>T (NM_001287248.2); short protein forms P303S.
Identifiers: ClinVar variation 2726704 (VCV002726704.4), dbSNP rs2505400245, ClinGen allele CA393841856.

ClinVar aggregate classification (germline): Uncertain significance. Review status: criteria provided, multiple submitters, no conflicts (2 of 4 stars). 2 submissions from 2 submitters: Uncertain significance (2). Last evaluated 2024-11-04.

Conditions:
Bloom syndrome (BLM). Also called: Bloom-Torre-Machacek syndrome. Identifiers: Orphanet 125, MedGen C0005859, MONDO:0008876, OMIM 210900.
Hereditary cancer-predisposing syndrome. Also called: Neoplastic Syndromes, Hereditary; Tumor predisposition; Hereditary neoplastic syndrome; Hereditary Cancer Syndrome. Identifiers: Orphanet 140162, MedGen C0027672, MeSH D009386, MONDO:0015356.

Allele frequency attached by ClinVar (database versions not stated): gnomAD exomes below 0.00001.
gnomAD v4.1: 2 of 1,613,292 alleles (0.00012%); highest among the groups gnomAD compares: Non-Finnish European, 0.000085%; no homozygotes.

Submissions (2):

Ambry Genetics
Classification: Uncertain significance for Hereditary cancer-predisposing syndrome. Last evaluated: 2024-11-04. Review status: criteria provided, single submitter. Criteria: Ambry Variant Classification Scheme 2023. Collection method: clinical testing. Allele origin: germline.
Comment: The p.P303S variant (also known as c.907C>T), located in coding exon 3 of the BLM gene, results from a C to T substitution at nucleotide position 907. The proline at codon 303 is replaced by serine, an amino acid with similar properties. This amino acid position is conserved. In addition, the in silico prediction for this alteration is inconclusive. Based on the available evidence, the clinical significance of this variant remains unclear.

Labcorp Genetics (formerly Invitae), Labcorp
Classification: Uncertain significance for Bloom syndrome. Last evaluated: 2023-06-06. Review status: criteria provided, single submitter. Criteria: Invitae Variant Classification Sherloc (09022015). Collection method: clinical testing. Allele origin: germline.
Comment: Advanced modeling of protein sequence and biophysical properties (such as structural, functional, and spatial information, amino acid conservation, physicochemical variation, residue mobility, and thermodynamic stability) performed at Invitae indicates that this missense variant is not expected to disrupt BLM protein function. This variant has not been reported in the literature in individuals affected with BLM-related conditions. This variant is not present in population databases (gnomAD no frequency). This sequence change replaces proline, which is neutral and non-polar, with serine, which is neutral and polar, at codon 303 of the BLM protein (p.Pro303Ser). In summary, the available evidence is currently insufficient to determine the role of this variant in disease. Therefore, it has been classified as a Variant of Uncertain Significance.